The following is an entry in ClinVar:

ClinVar aggregate classification (germline): Pathogenic (1 of 4 stars; one submission).

Conditions:
Smith-Magenis syndrome (SMS). Also called: CHROMOSOME 17p11.2 DELETION SYNDROME. Identifiers: Orphanet 819, MedGen C0795864, MONDO:0008434, OMIM 182290.

Submission:

Victorian Clinical Genetics Services, Murdoch Childrens Research Institute
Classification: Pathogenic for Smith-Magenis syndrome. Last evaluated: 2023-07-16. Review status: criteria provided, single submitter. Criteria: ACMG Guidelines, 2015. Collection method: clinical testing. Allele origin: germline. Inheritance: Autosomal dominant inheritance. Affected: yes.
Comment: Based on the classification scheme VCGS_Germline_v1.3.4, this variant is classified as Pathogenic. Following criteria are met: 0102 - Loss of function is a known mechanism of disease in this gene and is associated with Smith-Magenis syndrome (MIM#182290). (I) 0107 - This gene is associated with autosomal dominant disease. (I) 0201 - Variant is predicted to cause nonsense-mediated decay (NMD) and loss of protein (premature termination codon is located at least 54 nucleotides upstream of the final exon-exon junction). (SP) 0251 - This variant is heterozygous. (I) 0302 - Variant is present in gnomAD (v2) <0.001 for a dominant condition (1 heterozygote, 0 homozygotes). (SP) 0701 - Other NMD-predicted variants comparable to the one identified in this case have very strong previous evidence for pathogenicity (DECIPHER). (SP) 0807 - This variant has no previous evidence of pathogenicity. (I) 0905 - No published segregation evidence has been identified for this variant. (I) 1007 - No published functional evidence has been identified for this variant. (SP) Legend: (SP) - Supporting pathogenic, (I) - Information, (SB) - Supporting benign

NM_030665.4(RAI1):c.4317dup (p.Thr1440fs)

Gene: RAI1 (retinoic acid induced 1; plus strand). Cytogenetic location: 17p11.2.
Variant type: Duplication.
Coding change: c.4317dup on transcript NM_030665.4 (MANE Select); coding-DNA position 4317, one base duplicated (G; older notation c.4317dupG).
Protein change: p.Thr1440fs; shifts the reading frame from threonine 1440.
Molecular consequence: frameshift variant.
Genome position (GRCh38, 1-based): chr17:17,797,265, G duplicated; the last of 6 consecutive G bases (chr17:17,797,260-17,797,265); duplicating any one gives the same sequence. VCF-style (leftmost placement, unchanged base first): chr17-17797259-T-TG. GRCh37 (hg19) VCF-style: chr17-17700573-T-TG.
Other names: short protein forms T1440fs.
Identifiers: ClinVar variation 1805893 (VCV001805893.2), dbSNP rs1567926766, ClinGen allele CA625314500.